The following is an entry in ClinVar:

NM_015999.6(ADIPOR1):c.929A>G (p.Tyr310Cys)

Gene: ADIPOR1 (adiponectin receptor 1; minus strand). Cytogenetic location: 1q32.1.
Variant type: single nucleotide variant.
Coding change: c.929A>G on transcript NM_015999.6 (MANE Select); coding-DNA position 929, A replaced by G.
Protein change: p.Tyr310Cys; replaces tyrosine 310 with cysteine.
Molecular consequence: missense variant.
Genome position (GRCh38, 1-based): chr1:202,942,095, T>C on the plus strand (A>G on the coding strand, the complement: ADIPOR1 is on the minus strand). VCF-style: chr1-202942095-T-C. GRCh37 (hg19) VCF-style: chr1-202911223-T-C.
Other names: c.929A>G, p.Tyr310Cys (NM_001290553.2, NM_001290557.1, NM_001290629.1); short protein forms Y310C.
Identifiers: ClinVar variation 1403201 (VCV001403201.6), dbSNP rs2102480253, ClinGen allele CA344278033.

ClinVar aggregate classification (germline): Pathogenic (1 of 4 stars; one submission).

Submission:

Labcorp Genetics (formerly Invitae), Labcorp
Classification: Pathogenic. Last evaluated: 2025-10-24. Review status: criteria provided, single submitter. Criteria: Invitae Variant Classification Sherloc (09022015). Collection method: clinical testing. Allele origin: germline.
Comment: This sequence change replaces tyrosine, which is neutral and polar, with cysteine, which is neutral and slightly polar, at codon 310 of the ADIPOR1 protein (p.Tyr310Cys). This variant is not present in population databases (gnomAD no frequency). This missense change has been observed in individuals with autosomal dominant retinitis pigmentosa (PMID: 27655171; internal data). It has also been observed to segregate with disease in related individuals. ClinVar contains an entry for this variant (Variation ID: 1403201). An algorithm developed to predict the effect of missense changes on protein structure and function (PolyPhen-2) suggests that this variant is likely to be disruptive. Experimental studies have shown that this missense change affects ADIPOR1 function (PMID: 27655171). For these reasons, this variant has been classified as Pathogenic.

Literature cited by the submitters: PubMed 27655171.